The following is an entry in ClinVar:

NM_000388.4(CASR):c.181A>G (p.Ile61Val)

Gene: CASR (calcium sensing receptor; plus strand). Cytogenetic location: 3q21.1.
Variant type: single nucleotide variant.
Coding change: c.181A>G on transcript NM_000388.4 (MANE Select); coding-DNA position 181, A replaced by G.
Protein change: p.Ile61Val; replaces isoleucine 61 with valine.
Molecular consequence: missense variant.
Genome position (GRCh38, 1-based): chr3:122,254,370, A>G. VCF-style: chr3-122254370-A-G. GRCh37 (hg19) VCF-style: chr3-121973217-A-G.
Other names: c.181A>G, p.Ile61Val (NM_001178065.2); short protein forms I61V.
Identifiers: ClinVar variation 1780730 (VCV001780730.2), dbSNP rs2074531605, ClinGen allele CA354362307.

ClinVar aggregate classification (germline): Uncertain significance (1 of 4 stars; one submission).

Conditions:
Nephrolithiasis/nephrocalcinosis. Identifiers: MedGen CN580796.

Submission:

Ambry Genetics
Classification: Uncertain significance for Nephrolithiasis/nephrocalcinosis. Last evaluated: 2021-11-03. Review status: criteria provided, single submitter. Criteria: Ambry Variant Classification Scheme 2023. Collection method: clinical testing. Allele origin: germline.
Comment: The p.I61V variant (also known as c.181A>G), located in coding exon 1 of the CASR gene, results from an A to G substitution at nucleotide position 181. The isoleucine at codon 61 is replaced by valine, an amino acid with highly similar properties. This amino acid position is conserved. In addition, this alteration is predicted to be tolerated by in silico analysis. Since supporting evidence is limited at this time, the clinical significance of this alteration remains unclear.